The following is an entry in ClinVar:

NM_003924.4(PHOX2B):c.826G>C (p.Gly276Arg)

Gene: PHOX2B (paired like homeobox 2B; minus strand). Cytogenetic location: 4p13.
Variant type: single nucleotide variant.
Coding change: c.826G>C on transcript NM_003924.4 (MANE Select); coding-DNA position 826, G replaced by C.
Protein change: p.Gly276Arg; replaces glycine 276 with arginine.
Molecular consequence: missense variant.
Genome position (GRCh38, 1-based): chr4:41,745,926, C>G on the plus strand (G>C on the coding strand, the complement: PHOX2B is on the minus strand). VCF-style: chr4-41745926-C-G. GRCh37 (hg19) VCF-style: chr4-41747943-C-G.
Other names: short protein forms G276R.
Identifiers: ClinVar variation 5026567 (VCV005026567.1).
Genomic context (GRCh38, chr4:41,745,926, plus strand): 5'-ATAGGACGCTGGCGAAGGGACCCCCAAGCGAATCCGGGATGGAGGTGATGGGGCCGGGGC[C>G]GGGAGCCCAGCCTTGTCCAGGGCCCCCAGCCGCAGCCAGGCCTCCAGCTGCCGCCGCTGC-3'
Protein context (NP_003915.2, residues 266-286): AGGPGQGWAP[Gly276Arg]PGPITSIPDS

ClinVar aggregate classification (germline): Uncertain significance (1 of 4 stars; one submission).

Conditions:
Hereditary cancer-predisposing syndrome. Also called: Neoplastic Syndromes, Hereditary; Tumor predisposition; Hereditary neoplastic syndrome; Hereditary Cancer Syndrome. Identifiers: Orphanet 140162, MedGen C0027672, MeSH D009386, MONDO:0015356.

Submission:

Ambry Genetics
Classification: Uncertain significance for Hereditary cancer-predisposing syndrome. Last evaluated: 2026-07-06. Review status: criteria provided, single submitter. Criteria: Ambry Variant Classification Scheme 2023. Collection method: clinical testing. Allele origin: germline.
Comment: The p.G276R variant (also known as c.826G>C), located in coding exon 3 of the PHOX2B gene, results from a G to C substitution at nucleotide position 826. The glycine at codon 276 is replaced by arginine, an amino acid with dissimilar properties. This amino acid position is conserved. In addition, the in silico prediction for this alteration is inconclusive. Based on the available evidence, the clinical significance of this variant remains unclear.